The following is an entry in ClinVar:

ClinVar aggregate classification (germline): Uncertain significance (1 of 4 stars; one submission).

Conditions:
Hereditary sensory neuropathy-deafness-dementia syndrome. Also called: HSN IE; Hereditary sensory neuropathy type IE; NEUROPATHY, HEREDITARY SENSORY, WITH HEARING LOSS AND DEMENTIA; Hereditary Sensory and Autonomic Neuropathy Type 1E (HSAN1E). Identifiers: Orphanet 456318, MedGen C3279885, MONDO:0013584, OMIM 614116.

Submission:

Labcorp Genetics (formerly Invitae), Labcorp
Classification: Uncertain significance for Hereditary sensory neuropathy-deafness-dementia syndrome. Last evaluated: 2024-01-01. Review status: criteria provided, single submitter. Criteria: Invitae Variant Classification Sherloc (09022015). Collection method: clinical testing. Allele origin: germline.
Comment: This sequence change replaces leucine, which is neutral and non-polar, with valine, which is neutral and non-polar, at codon 36 of the DNMT1 protein (p.Leu36Val). This variant is not present in population databases (gnomAD no frequency). This variant has not been reported in the literature in individuals affected with DNMT1-related conditions. Advanced modeling of protein sequence and biophysical properties (such as structural, functional, and spatial information, amino acid conservation, physicochemical variation, residue mobility, and thermodynamic stability) has been performed at Invitae for this missense variant, however the output from this modeling did not meet the statistical confidence thresholds required to predict the impact of this variant on DNMT1 protein function. In summary, the available evidence is currently insufficient to determine the role of this variant in disease. Therefore, it has been classified as a Variant of Uncertain Significance.

NM_001130823.3(DNMT1):c.106T>G (p.Leu36Val)

Genes: DNMT1 (DNA methyltransferase 1; minus strand), LOC107080555 (origin of replication in DNMT1; plus strand). Cytogenetic location: 19p13.2.
Variant type: single nucleotide variant.
Coding change: c.106T>G on transcript NM_001130823.3 (MANE Select); coding-DNA position 106, T replaced by G.
Protein change: p.Leu36Val; replaces leucine 36 with valine.
Molecular consequence: missense variant. On other transcripts: 5 prime UTR variant (1).
Genome position (GRCh38, 1-based): chr19:10,182,052, A>C on the plus strand (T>G on the coding strand, the complement: DNMT1 is on the minus strand). VCF-style: chr19-10182052-A-C. GRCh37 (hg19) VCF-style: chr19-10292728-A-C.
Other names: c.106T>G, p.Leu36Val (NM_001318730.2, NM_001379.4); c.-218T>G (NM_001318731.2); short protein forms L36V.
Identifiers: ClinVar variation 2706945 (VCV002706945.3), dbSNP rs1300001842, ClinGen allele CA403948188.
Genomic context (GRCh38, chr19:10,182,052, plus strand): 5'-GTGTGTCAGTCAGATTTGGTAATAAGAAAAATTTTAAGGTGGAGATTACCTTTTCTGTTA[A>C]GCTGTCTCTTTCCAAATCTTTGAGCCTGGGAGGAAGAAATAGGGGAGAAAATACAAACAC-3'
Protein context (NP_001124295.1, residues 26-46): RRLKDLERDS[Leu36Val]TEKECVKEKL